The following is an entry in ClinVar:

NM_005591.4(MRE11):c.1267G>A (p.Glu423Lys)

Gene: MRE11 (MRE11 double strand break repair nuclease; minus strand). Cytogenetic location: 11q21.
Variant type: single nucleotide variant.
Coding change: c.1267G>A on transcript NM_005591.4 (MANE Select); coding-DNA position 1267, G replaced by A.
Protein change: p.Glu423Lys; replaces glutamic acid 423 with lysine.
Molecular consequence: missense variant.
Genome position (GRCh38, 1-based): chr11:94,460,995, C>T on the plus strand (G>A on the coding strand, the complement: MRE11 is on the minus strand). VCF-style: chr11-94460995-C-T. GRCh37 (hg19) VCF-style: chr11-94194161-C-T.
Other names: c.1267G>A, p.Glu423Lys (NM_001330347.2, NM_005590.4); short protein forms E423K.
Identifiers: ClinVar variation 1800095 (VCV001800095.2), dbSNP rs757051114, ClinGen allele CA382372394.

ClinVar aggregate classification (germline): Uncertain significance (1 of 4 stars; one submission).

Conditions:
Hereditary cancer-predisposing syndrome. Also called: Neoplastic Syndromes, Hereditary; Tumor predisposition; Hereditary Cancer Syndrome; Hereditary neoplastic syndrome. Identifiers: Orphanet 140162, MedGen C0027672, MeSH D009386, MONDO:0015356.

Allele frequency attached by ClinVar (database versions not stated): TOPMed 0.00001.

Submission:

Ambry Genetics
Classification: Uncertain significance for Hereditary cancer-predisposing syndrome. Last evaluated: 2019-10-21. Review status: criteria provided, single submitter. Criteria: Ambry Variant Classification Scheme 2023. Collection method: clinical testing. Allele origin: germline.
Comment: The p.E423K variant (also known as c.1267G>A), located in coding exon 11 of the MRE11A gene, results from a G to A substitution at nucleotide position 1267. The glutamic acid at codon 423 is replaced by lysine, an amino acid with similar properties. This amino acid position is highly conserved in available vertebrate species. In addition, the in silico prediction for this alteration is inconclusive. Since supporting evidence is limited at this time, the clinical significance of this alteration remains unclear.